The following is an entry in ClinVar:

ClinVar aggregate classification (germline): Uncertain significance (1 of 4 stars; one submission).

Allele frequency attached by ClinVar (database versions not stated): TOPMed below 0.00001.

Submission:

GeneDx
Classification: Uncertain significance. Last evaluated: 2024-12-24. Review status: criteria provided, single submitter. Criteria: GeneDx Variant Classification Process June 2021. Collection method: clinical testing. Allele origin: germline. Affected: yes.
Comment: Not observed at significant frequency in large population cohorts (gnomAD); In silico analysis supports that this missense variant has a deleterious effect on protein structure/function; Has not been previously published as pathogenic or benign to our knowledge

NM_170606.3(KMT2C):c.1063G>A (p.Asp355Asn)

Genes: KMT2C (lysine methyltransferase 2C; minus strand), LOC123956272 (Sharpr-MPRA regulatory region 15588; plus strand). Cytogenetic location: 7q36.1.
Variant type: single nucleotide variant.
Coding change: c.1063G>A on transcript NM_170606.3 (MANE Select); coding-DNA position 1063, G replaced by A.
Protein change: p.Asp355Asn; replaces aspartic acid 355 with asparagine.
Molecular consequence: missense variant.
Genome position (GRCh38, 1-based): chr7:152,265,159, C>T on the plus strand (G>A on the coding strand, the complement: KMT2C is on the minus strand). VCF-style: chr7-152265159-C-T. GRCh37 (hg19) VCF-style: chr7-151962244-C-T.
Other names: short protein forms D355N.
Identifiers: ClinVar variation 2581834 (VCV002581834.3), dbSNP rs1265203370, ClinGen allele CA370092514.